The following is an entry in ClinVar:

NM_003001.5(SDHC):c.*624A>G

Gene: SDHC (succinate dehydrogenase complex subunit C; plus strand). Cytogenetic location: 1q23.3.
Variant type: single nucleotide variant.
Coding change: c.*624A>G on transcript NM_003001.5 (MANE Select); 624 bases downstream of the stop codon, A replaced by G.
Molecular consequence: 3 prime UTR variant.
Genome position (GRCh38, 1-based): chr1:161,363,057, A>G. VCF-style: chr1-161363057-A-G. GRCh37 (hg19) VCF-style: chr1-161332847-A-G.
Other names: c.*517A>G (NM_001035511.3, NM_001278172.3, NM_001407121.1); c.*624A>G (NM_001035512.3, NM_001035513.3, NM_001407115.1 and 5 more transcripts).
Identifiers: ClinVar variation 293332 (VCV000293332.6), dbSNP rs114438179, ClinGen allele CA10608185.

ClinVar aggregate classification (germline): Benign (1 of 4 stars; one submission).

Conditions:
Hereditary pheochromocytoma and paraganglioma. Also called: Hereditary Paraganglioma-Pheochromocytoma Syndromes; Hereditary paragangliomas and pheochromocytomas; Hereditary pheochromocytoma-paraganglioma. Identifiers: Orphanet 29072, MedGen C4274332, MONDO:0017366.

Allele frequency attached by ClinVar (database versions not stated): gnomAD exomes 0.00255; gnomAD 0.01277 and 0.01340; TOPMed 0.01488; 1000 Genomes Project 0.01817; 1000 Genomes Project 30x 0.02014.
gnomAD v4.1: 2,190 of 242,662 alleles (0.9%); highest among the groups gnomAD compares: African/African-American, 4.2%; 45 homozygotes.

Submission:

Illumina Laboratory Services, Illumina
Classification: Benign for Hereditary Paraganglioma-Pheochromocytoma Syndromes. Last evaluated: 2018-01-13. Review status: criteria provided, single submitter. Criteria: ICSL Variant Classification Criteria 13 December 2019. Collection method: clinical testing. Allele origin: germline.
Comment: This variant was observed in the ICSL laboratory as part of a predisposition screen in an ostensibly healthy population. It had not been previously curated by ICSL or reported in the Human Gene Mutation Database (HGMD: prior to June 1st, 2018), and was therefore a candidate for classification through an automated scoring system. Utilizing variant allele frequency, disease prevalence and penetrance estimates, and inheritance mode, an automated score was calculated to assess if this variant is too frequent to cause the disease. Based on the score and internal cut-off values, a variant classified as benign is not then subjected to further curation. The score for this variant resulted in a classification of benign for this disease.